The following is an entry in ClinVar:

NM_201384.3(PLEC):c.2272A>G (p.Thr758Ala)

Gene: PLEC (plectin; minus strand). Cytogenetic location: 8q24.3.
Variant type: single nucleotide variant.
Coding change: c.2272A>G on transcript NM_201384.3 (MANE Select); coding-DNA position 2272, A replaced by G.
Protein change: p.Thr758Ala; replaces threonine 758 with alanine.
Molecular consequence: missense variant.
Genome position (GRCh38, 1-based): chr8:143,931,566, T>C on the plus strand (A>G on the coding strand, the complement: PLEC is on the minus strand). VCF-style: chr8-143931566-T-C. GRCh37 (hg19) VCF-style: chr8-145005734-T-C.
Other names: c.2353A>G, p.Thr785Ala (NM_000445.5, NM_001410941.1); c.2230A>G, p.Thr744Ala (NM_201378.4); c.2206A>G, p.Thr736Ala (NM_201379.3); c.2683A>G, p.Thr895Ala (NM_201380.4); c.2176A>G, p.Thr726Ala (NM_201381.3); c.2272A>G, p.Thr758Ala (NM_201382.4); c.2284A>G, p.Thr762Ala (NM_201383.3); short protein forms T726A, T736A, T744A, T758A, T762A, T785A, T895A.
Identifiers: ClinVar variation 3749473 (VCV003749473.2).

ClinVar aggregate classification (germline): Uncertain significance (1 of 4 stars; one submission).

Conditions:
Epidermolysis bullosa simplex with nail dystrophy (EBS5D). Identifiers: MedGen C4225309, MONDO:0014661, OMIM 616487.
Autosomal recessive limb-girdle muscular dystrophy type 2Q (LGMDR17). Also called: MUSCULAR DYSTROPHY, LIMB-GIRDLE, AUTOSOMAL RECESSIVE 17. Identifiers: Orphanet 254361, MedGen C3150989, MONDO:0013390, OMIM 613723.
Epidermolysis bullosa simplex 5B, with muscular dystrophy (EBS5B). Also called: Epidermolysis bullosa simplex with muscular dystrophy; EPIDERMOLYSIS BULLOSA SIMPLEX AND LIMB-GIRDLE MUSCULAR DYSTROPHY. Identifiers: Orphanet 257, MedGen C2931072, MONDO:0009181, OMIM 226670.
Epidermolysis bullosa simplex 5C, with pyloric atresia (EBS5C). Also called: PLEC-Related Epidermolysis Bullosa with Pyloric Atresia; Epidermolysis bullosa simplex with pyloric atresia; PLEC1-Related Epidermolysis Bullosa with Pyloric Atresia. Identifiers: Orphanet 158684, MedGen C2677349, MONDO:0012807, OMIM 612138.
Epidermolysis bullosa simplex, Ogna type (EBS5A). Also called: Pidermolysis bullosa simplex 5A, Ogna type; EPIDERMOLYSIS BULLOSA SIMPLEX 5A, OGNA TYPE. Identifiers: Orphanet 79401, MedGen C0432317, MONDO:0007555, OMIM 131950.

gnomAD v4.1: 6 of 1,596,350 alleles (0.00038%); highest among the groups gnomAD compares: Admixed American, 0.0069%; no homozygotes.

Submission:

Labcorp Genetics (formerly Invitae), Labcorp
Classification: Uncertain significance for Autosomal recessive limb-girdle muscular dystrophy type 2Q; Epidermolysis bullosa simplex, Ogna type; Epidermolysis bullosa simplex with nail dystrophy; Epidermolysis bullosa simplex 5C, with pyloric atresia; Epidermolysis bullosa simplex 5B, with muscular dystrophy. Last evaluated: 2024-11-11. Review status: criteria provided, single submitter. Criteria: Invitae Variant Classification Sherloc (09022015). Collection method: clinical testing. Allele origin: germline.
Comment: This sequence change replaces threonine, which is neutral and polar, with alanine, which is neutral and non-polar, at codon 785 of the PLEC protein (p.Thr785Ala). The frequency data for this variant in the population databases is considered unreliable, as metrics indicate poor data quality at this position in the gnomAD database. This variant has not been reported in the literature in individuals affected with PLEC-related conditions. Invitae Evidence Modeling of protein sequence and biophysical properties (such as structural, functional, and spatial information, amino acid conservation, physicochemical variation, residue mobility, and thermodynamic stability) indicates that this missense variant is expected to disrupt PLEC protein function with a positive predictive value of 80%. In summary, the available evidence is currently insufficient to determine the role of this variant in disease. Therefore, it has been classified as a Variant of Uncertain Significance.